The following is an entry in ClinVar:

NM_004035.7(ACOX1):c.1711G>A (p.Ala571Thr)

Gene: ACOX1 (acyl-CoA oxidase 1; minus strand). Cytogenetic location: 17q25.1.
Variant type: single nucleotide variant.
Coding change: c.1711G>A on transcript NM_004035.7 (MANE Select); coding-DNA position 1711, G replaced by A.
Protein change: p.Ala571Thr; replaces alanine 571 with threonine.
Molecular consequence: missense variant.
Genome position (GRCh38, 1-based): chr17:75,949,234, C>T on the plus strand (G>A on the coding strand, the complement: ACOX1 is on the minus strand). VCF-style: chr17-75949234-C-T. GRCh37 (hg19) VCF-style: chr17-73945315-C-T.
Other names: c.1597G>A, p.Ala533Thr (NM_001185039.2); c.1711G>A, p.Ala571Thr (NM_007292.6); short protein forms A533T, A571T.
Identifiers: ClinVar variation 3707324 (VCV003707324.1).

ClinVar aggregate classification (germline): Uncertain significance (1 of 4 stars; one submission).

Conditions:
Acyl-CoA oxidase deficiency. Also called: STRAIGHT-CHAIN ACYL-CoA OXIDASE DEFICIENCY; Pseudoneonatal adrenoleukodystrophy; Peroxisomal acyl-CoA oxidase deficiency. Identifiers: Orphanet 2971, MedGen C1849678, MONDO:0009919, OMIM 264470. Disease mechanism: loss of function.

gnomAD v4.1: 14 of 1,614,196 alleles (0.00087%); highest among the groups gnomAD compares: East Asian, 0.0045%; no homozygotes.

Submission:

Labcorp Genetics (formerly Invitae), Labcorp
Classification: Uncertain significance for Acyl-CoA oxidase deficiency. Last evaluated: 2024-12-04. Review status: criteria provided, single submitter. Criteria: Invitae Variant Classification Sherloc (09022015). Collection method: clinical testing. Allele origin: germline.
Comment: This sequence change replaces alanine, which is neutral and non-polar, with threonine, which is neutral and polar, at codon 571 of the ACOX1 protein (p.Ala571Thr). This variant is present in population databases (rs748619167, gnomAD 0.006%). This variant has not been reported in the literature in individuals affected with ACOX1-related conditions. Invitae Evidence Modeling of protein sequence and biophysical properties (such as structural, functional, and spatial information, amino acid conservation, physicochemical variation, residue mobility, and thermodynamic stability) indicates that this missense variant is not expected to disrupt ACOX1 protein function with a negative predictive value of 80%. In summary, the available evidence is currently insufficient to determine the role of this variant in disease. Therefore, it has been classified as a Variant of Uncertain Significance.